The following is an entry in ClinVar:

NM_199420.4(POLQ):c.274A>T (p.Met92Leu)

Gene: POLQ (DNA polymerase theta; minus strand). Cytogenetic location: 3q13.33.
Variant type: single nucleotide variant.
Coding change: c.274A>T on transcript NM_199420.4 (MANE Select); coding-DNA position 274, A replaced by T.
Protein change: p.Met92Leu; replaces methionine 92 with leucine.
Molecular consequence: missense variant.
Genome position (GRCh38, 1-based): chr3:121,544,796, T>A on the plus strand (A>T on the coding strand, the complement: POLQ is on the minus strand). VCF-style: chr3-121544796-T-A. GRCh37 (hg19) VCF-style: chr3-121263643-T-A.
Other names: short protein forms M92L.
Identifiers: ClinVar variation 2563823 (VCV002563823.2), dbSNP rs1314362368, ClinGen allele CA354094527.

ClinVar aggregate classification (germline): Uncertain significance (1 of 4 stars; one submission).

Submission:

Ambry Genetics
Classification: Uncertain significance. Last evaluated: 2023-05-04. Review status: criteria provided, single submitter. Criteria: Ambry Variant Classification Scheme 2023. Collection method: clinical testing. Allele origin: germline.
Comment: The p.M92L variant (also known as c.274A>T), located in coding exon 2 of the POLQ gene, results from an A to T substitution at nucleotide position 274. The methionine at codon 92 is replaced by leucine, an amino acid with highly similar properties. This amino acid position is conserved. In addition, this alteration is predicted to be tolerated by in silico analysis. Since supporting evidence is limited at this time, the clinical significance of this alteration remains unclear.